The following is an entry in ClinVar:

ClinVar aggregate classification (germline): Likely benign. Review status: criteria provided, single submitter (1 of 4 stars). 2 submissions from 2 submitters: Likely benign (1). 1 of the submissions does not count toward it. Last evaluated 2025-05-14.

Conditions:
COL18A1-related disorder. Also called: COL18A1-related condition; COL18A1-related disorders.

Allele frequency attached by ClinVar (database versions not stated): ExAC 0.00001; gnomAD exomes 0.00001; 1000 Genomes Project 30x 0.00016; 1000 Genomes Project 0.00020.
gnomAD v4.1: 6 of 1,607,708 alleles (0.00037%); highest among the groups gnomAD compares: African/African-American, 0.0053%; no homozygotes.

Submissions (2):

Labcorp Genetics (formerly Invitae), Labcorp
Classification: Likely benign. Last evaluated: 2025-05-14. Review status: criteria provided, single submitter. Criteria: Invitae Variant Classification Sherloc (09022015). Collection method: clinical testing. Allele origin: germline.

PreventionGenetics, part of Exact Sciences
Classification: Likely benign for COL18A1-related condition. Last evaluated: 2023-04-21. Review status: no assertion criteria provided. Collection method: clinical testing. Allele origin: germline. Not counted in ClinVar's aggregate classification.
Comment: This variant is classified as likely benign based on ACMG/AMP sequence variant interpretation guidelines (Richards et al. 2015 PMID: 25741868, with internal and published modifications).

NM_001379500.1(COL18A1):c.2901C>G (p.Pro967=)

Genes: COL18A1 (collagen type XVIII alpha 1 chain; plus strand), SLC19A1 (solute carrier family 19 member 1; minus strand). Cytogenetic location: 21q22.3.
Variant type: single nucleotide variant.
Coding change: c.2901C>G on transcript NM_001379500.1 (MANE Select); coding-DNA position 2901, C replaced by G.
Protein change: p.Pro967=; no amino-acid change (proline 967 retained).
Molecular consequence: synonymous variant.
Genome position (GRCh38, 1-based): chr21:45,505,166, C>G. VCF-style: chr21-45505166-C-G. GRCh37 (hg19) VCF-style: chr21-46925080-C-G.
Other names: c.3432C>G, p.Pro1144= (NM_030582.4); c.4137C>G, p.Pro1379= (NM_130444.3); c.3432C>G (NM_030582.3).
Identifiers: ClinVar variation 1086088 (VCV001086088.11), dbSNP rs555990845, ClinGen allele CA10067546.